The following is an entry in ClinVar:

NM_000291.4(PGK1):c.150C>G (p.Cys50Trp)

Gene: PGK1 (phosphoglycerate kinase 1; plus strand). Cytogenetic location: Xq21.1.
Variant type: single nucleotide variant.
Coding change: c.150C>G on transcript NM_000291.4 (MANE Select); coding-DNA position 150, C replaced by G.
Protein change: p.Cys50Trp; replaces cysteine 50 with tryptophan.
Molecular consequence: missense variant.
Genome position (GRCh38, 1-based): chrX:78,113,777, C>G. VCF-style: chrX-78113777-C-G. GRCh37 (hg19) VCF-style: chrX-77369274-C-G.
Other names: short protein forms C50W.
Identifiers: ClinVar variation 1687119 (VCV001687119.2), dbSNP rs2149132078, ClinGen allele CA413718804.
Genomic context (GRCh38, chrX:78,113,777, plus strand): 5'-CTGTTTGTTGTCTCTCTTTGGTTGCAGGATTAAGGCTGCTGTCCCAAGCATCAAATTCTG[C>G]TTGGACAATGGAGCCAAGTCGGTAGTCCTTATGAGCCACCTAGGCCGGCCTGATGGTGTG-3'
Protein context (NP_000282.1, residues 40-60): IKAAVPSIKF[Cys50Trp]LDNGAKSVVL

ClinVar aggregate classification (germline): Likely pathogenic (0 of 4 stars; one submission).

Conditions:
Glycogen storage disease due to phosphoglycerate kinase 1 deficiency. Also called: PHOSPHOGLYCERATE KINASE 1 DEFICIENCY WITH LEVO-DOPA-RESPONSIVE PARKINSONISM; PGK1 DEFICIENCY. Identifiers: Orphanet 713, MedGen C1970848, MONDO:0010392, OMIM 300653.

Submission:

Manipal Hospitals, Manipal Hospital
Classification: Likely pathogenic for Glycogen storage disease due to phosphoglycerate kinase 1 deficiency. Last evaluated: 2022-05-06. Review status: no assertion criteria provided. Collection method: clinical testing. Allele origin: de novo. Inheritance: X-linked recessive inheritance. Affected: yes. Observed: 5 variant alleles, 3 heterozygotes, 2 hemizygotes. Clinical features observed: Abnormal nervous system physiology (HP:0012638), Myopathy (HP:0003198), Hemolytic anemia (HP:0001878).